The following is an entry in ClinVar:

NM_001297595.2(SIN3B):c.2408G>C (p.Arg803Pro)

Gene: SIN3B (SIN3 transcription regulator family member B; plus strand). Cytogenetic location: 19p13.11.
Variant type: single nucleotide variant.
Coding change: c.2408G>C on transcript NM_001297595.2 (MANE Select); coding-DNA position 2408, G replaced by C.
Protein change: p.Arg803Pro; replaces arginine 803 with proline.
Molecular consequence: missense variant.
Genome position (GRCh38, 1-based): chr19:16,870,061, G>C. VCF-style: chr19-16870061-G-C. GRCh37 (hg19) VCF-style: chr19-16980872-G-C.
Other names: c.1178G>C, p.Arg393Pro (NM_001297597.2); c.2504G>C, p.Arg835Pro (NM_015260.4); short protein forms R393P, R803P, R835P.
Identifiers: ClinVar variation 2662332 (VCV002662332.1), dbSNP rs765584401, ClinGen allele CA404644398.

ClinVar aggregate classification (germline): Uncertain significance (1 of 4 stars; one submission).

Submission:

GeneDx
Classification: Uncertain significance. Last evaluated: 2023-05-08. Review status: criteria provided, single submitter. Criteria: GeneDx Variant Classification Process June 2021. Collection method: clinical testing. Allele origin: germline. Affected: yes.
Comment: Not observed at significant frequency in large population cohorts (gnomAD); In silico analysis supports that this missense variant has a deleterious effect on protein structure/function; Has not been previously published as pathogenic or benign to our knowledge.